The following is an entry in ClinVar:

NM_000165.5(GJA1):c.494T>C (p.Phe165Ser)

Gene: GJA1 (gap junction protein alpha 1; plus strand). Cytogenetic location: 6q22.31.
Variant type: single nucleotide variant.
Coding change: c.494T>C on transcript NM_000165.5 (MANE Select); coding-DNA position 494, T replaced by C.
Protein change: p.Phe165Ser; replaces phenylalanine 165 with serine.
Molecular consequence: missense variant.
Genome position (GRCh38, 1-based): chr6:121,447,341, T>C. VCF-style: chr6-121447341-T-C. GRCh37 (hg19) VCF-style: chr6-121768487-T-C.
Other names: short protein forms F165S.
Identifiers: ClinVar variation 3720925 (VCV003720925.2).
Genomic context (GRCh38, chr6:121,447,341, plus strand): 5'-TGAAAATGCGAGGGGGGTTGCTGCGAACCTACATCATCAGTATCCTCTTCAAGTCTATCT[T>C]TGAGGTGGCCTTCTTGCTGATCCAGTGGTACATCTATGGATTCAGCTTGAGTGCTGTTTA-3'
Protein context (NP_000156.1, residues 155-175): YIISILFKSI[Phe165Ser]EVAFLLIQWY

ClinVar aggregate classification (germline): Uncertain significance (1 of 4 stars; one submission).

Conditions:
Oculodentodigital dysplasia, autosomal recessive. Also called: OCULODENTOOSSEOUS DYSPLASIA, AUTOSOMAL RECESSIVE; ODDD, AUTOSOMAL RECESSIVE; ODOD, AUTOSOMAL RECESSIVE. Identifiers: Orphanet 2710, MedGen C2749477, MONDO:0009768, OMIM 257850.

gnomAD v4.1: 1 of 1,614,086 alleles (0.000062%); highest among the groups gnomAD compares: Non-Finnish European, 0.000085%; no homozygotes.

Submission:

Labcorp Genetics (formerly Invitae), Labcorp
Classification: Uncertain significance for Oculodentodigital dysplasia, autosomal recessive. Last evaluated: 2024-10-10. Review status: criteria provided, single submitter. Criteria: Invitae Variant Classification Sherloc (09022015). Collection method: clinical testing. Allele origin: germline.
Comment: This sequence change replaces phenylalanine, which is neutral and non-polar, with serine, which is neutral and polar, at codon 165 of the GJA1 protein (p.Phe165Ser). This variant is not present in population databases (gnomAD no frequency). This variant has not been reported in the literature in individuals affected with GJA1-related conditions. Invitae Evidence Modeling of protein sequence and biophysical properties (such as structural, functional, and spatial information, amino acid conservation, physicochemical variation, residue mobility, and thermodynamic stability) indicates that this missense variant is expected to disrupt GJA1 protein function with a positive predictive value of 95%. In summary, the available evidence is currently insufficient to determine the role of this variant in disease. Therefore, it has been classified as a Variant of Uncertain Significance.